The following is an entry in ClinVar:

NM_001378454.1(ALMS1):c.7907A>G (p.Asn2636Ser)

Gene: ALMS1 (ALMS1 centrosome and basal body associated protein; plus strand). Cytogenetic location: 2p13.1.
Variant type: single nucleotide variant.
Coding change: c.7907A>G on transcript NM_001378454.1 (MANE Select); coding-DNA position 7907, A replaced by G.
Protein change: p.Asn2636Ser; replaces asparagine 2636 with serine.
Molecular consequence: missense variant.
Genome position (GRCh38, 1-based): chr2:73,489,866, A>G. VCF-style: chr2-73489866-A-G. GRCh37 (hg19) VCF-style: chr2-73716993-A-G.
Other names: c.7910A>G, p.Asn2637Ser (NM_015120.4); short protein forms N2637S, N2636S.
Identifiers: ClinVar variation 3720466 (VCV003720466.2).

ClinVar aggregate classification (germline): Uncertain significance (1 of 4 stars; one submission).

Conditions:
Alstrom syndrome (ALMS). Identifiers: Orphanet 64, MedGen C0268425, MONDO:0008763, OMIM 203800.

gnomAD v4.1: 1 of 1,614,196 alleles (0.000062%); highest among the groups gnomAD compares: Non-Finnish European, 0.000085%; no homozygotes.

Submission:

Labcorp Genetics (formerly Invitae), Labcorp
Classification: Uncertain significance for Alstrom syndrome. Last evaluated: 2024-09-16. Review status: criteria provided, single submitter. Criteria: Invitae Variant Classification Sherloc (09022015). Collection method: clinical testing. Allele origin: germline.
Comment: This sequence change replaces asparagine, which is neutral and polar, with serine, which is neutral and polar, at codon 2637 of the ALMS1 protein (p.Asn2637Ser). This variant is not present in population databases (gnomAD no frequency). This variant has not been reported in the literature in individuals affected with ALMS1-related conditions. Experimental studies and prediction algorithms are not available or were not evaluated, and the functional significance of this variant is currently unknown. In summary, the available evidence is currently insufficient to determine the role of this variant in disease. Therefore, it has been classified as a Variant of Uncertain Significance.